The following is an entry in ClinVar:

ClinVar aggregate classification (germline): Uncertain significance (1 of 4 stars; one submission).

Submission:

Dasa
Classification: Uncertain significance. Last evaluated: 2026-03-26. Review status: criteria provided, single submitter. Criteria: DASA Assertion Criteria. Collection method: clinical testing. Allele origin: germline.
Comment: NM_014159.7(SETD2):c.4715+8C>T is a splice-region variant. This variant is rare in population databases. Computational prediction algorithms are consistent with a benign effect. The currently available literature and clinical evidence are not sufficient to establish a definitive association between this variant and the reported condition. Therefore, this variant is classified as a variant of uncertain significance.

NM_014159.7(SETD2):c.4715+8C>T

Gene: SETD2 (SET domain containing 2, histone lysine methyltransferase; minus strand). Cytogenetic location: 3p21.31.
Variant type: single nucleotide variant.
Coding change: c.4715+8C>T on transcript NM_014159.7 (MANE Select); 8 bases into the intron after coding-DNA position 4715, C replaced by T.
Molecular consequence: intron variant.
Genome position (GRCh38, 1-based): chr3:47,113,868, G>A on the plus strand (C>T on the coding strand, the complement: SETD2 is on the minus strand). VCF-style: chr3-47113868-G-A. GRCh37 (hg19) VCF-style: chr3-47155358-G-A.
Other names: c.4583+8C>T (NM_001349370.3).
Identifiers: ClinVar variation 4885399 (VCV004885399.2).